The following is an entry in ClinVar:

NM_032043.3(BRIP1):c.173dup (p.Cys58fs)

Gene: BRIP1 (BRCA1 interacting DNA helicase 1; minus strand). Cytogenetic location: 17q23.2.
Variant type: Duplication.
Coding change: c.173dup on transcript NM_032043.3 (MANE Select); coding-DNA position 173, one base duplicated (G; older notation c.173dupG).
Protein change: p.Cys58fs; shifts the reading frame from cysteine 58.
Molecular consequence: frameshift variant.
Genome position (GRCh38, 1-based): chr17:61,859,828, C duplicated on the plus strand (G on the coding strand, the reverse complement: BRIP1 is on the minus strand). VCF-style (leftmost placement, unchanged base first): chr17-61859827-A-AC. GRCh37 (hg19) VCF-style: chr17-59937188-A-AC.
Other names: short protein forms C58fs.
Identifiers: ClinVar variation 2583288 (VCV002583288.2), dbSNP rs2545471956, ClinGen allele CA2582342258.

ClinVar aggregate classification (germline): Pathogenic (1 of 4 stars; one submission).

Conditions:
Familial cancer of breast. Also called: Hereditary breast cancer; BREAST CANCER, FAMILIAL; hereditary breast carcinoma. Identifiers: Orphanet 227535, MedGen C0346153, MONDO:0016419, OMIM 114480. Disease mechanism: loss of function.

Submission:

Myriad Genetics, Inc.
Classification: Pathogenic for Familial cancer of breast. Last evaluated: 2023-05-30. Review status: criteria provided, single submitter. Criteria: Myriad Autosomal Dominant, Autosomal Recessive and X-Linked Classification Criteria (2023). Collection method: clinical testing. Allele origin: unknown.
Comment: This variant is considered pathogenic. This variant creates a frameshift predicted to result in premature protein truncation.